The following is an entry in ClinVar:

NM_004360.5(CDH1):c.254T>A (p.Val85Asp)

Gene: CDH1 (cadherin 1; plus strand). Cytogenetic location: 16q22.1.
Variant type: single nucleotide variant.
Coding change: c.254T>A on transcript NM_004360.5 (MANE Select); coding-DNA position 254, T replaced by A.
Protein change: p.Val85Asp; replaces valine 85 with aspartic acid.
Molecular consequence: missense variant. On other transcripts: 5 prime UTR variant (2).
Genome position (GRCh38, 1-based): chr16:68,801,760, T>A. VCF-style: chr16-68801760-T-A. GRCh37 (hg19) VCF-style: chr16-68835663-T-A.
Other names: c.254T>A, p.Val85Asp (NM_001317184.2); c.-1362T>A (NM_001317185.2); c.-1566T>A (NM_001317186.2); short protein forms V85D.
Identifiers: ClinVar variation 4631968 (VCV004631968.1).

ClinVar aggregate classification (germline): Uncertain significance (1 of 4 stars; one submission).

Conditions:
Hereditary cancer-predisposing syndrome. Also called: Neoplastic Syndromes, Hereditary; Tumor predisposition; Hereditary Cancer Syndrome; Hereditary neoplastic syndrome. Identifiers: Orphanet 140162, MedGen C0027672, MeSH D009386, MONDO:0015356.

Submission:

Ambry Genetics
Classification: Uncertain significance for Hereditary cancer-predisposing syndrome. Last evaluated: 2025-11-10. Review status: criteria provided, single submitter. Criteria: Ambry Variant Classification Scheme 2023. Collection method: clinical testing. Allele origin: germline.
Comment: The p.V85D variant (also known as c.254T>A), located in coding exon 3 of the CDH1 gene, results from a T to A substitution at nucleotide position 254. The valine at codon 85 is replaced by aspartic acid, an amino acid with highly dissimilar properties. This amino acid position is conserved. In addition, the in silico prediction for this alteration is inconclusive. Based on the available evidence, the clinical significance of this variant remains unclear.